The following is an entry in ClinVar:

NM_004304.5(ALK):c.66G>C (p.Gly22=)

Gene: ALK (ALK receptor tyrosine kinase; minus strand). Cytogenetic location: 2p23.1.
Variant type: single nucleotide variant.
Coding change: c.66G>C on transcript NM_004304.5 (MANE Select); coding-DNA position 66, G replaced by C.
Protein change: p.Gly22=; no amino-acid change (glycine 22 retained).
Molecular consequence: synonymous variant.
Genome position (GRCh38, 1-based): chr2:29,920,594, C>G on the plus strand (G>C on the coding strand, the complement: ALK is on the minus strand). VCF-style: chr2-29920594-C-G. GRCh37 (hg19) VCF-style: chr2-30143460-C-G.
Identifiers: ClinVar variation 701749 (VCV000701749.35), dbSNP rs778418435, ClinGen allele CA425627931.
Genomic context (GRCh38, chr2:29,920,594, plus strand): 5'-CTCCCGGGGCTGCAGCGGCGGCCCCGCAGCTGGGGAGCCCGCGCGCTGGCCGGTCCCCAT[C>G]CCGGAGCCCACAGCTGCCGTGGAAAGCAGCAGCGGCAGGAGCCACAGGAGCCCGATGGCT-3'
Protein context (NP_004295.2, residues 12-32): LLLSTAAVGS[Gly22=]MGTGQRAGSP

ClinVar aggregate classification (germline): Likely benign. Review status: criteria provided, multiple submitters, no conflicts (2 of 4 stars). 4 submissions from 4 submitters: Likely benign (4). Last evaluated 2025-06-15.

Conditions:
Hereditary cancer-predisposing syndrome. Also called: Neoplastic Syndromes, Hereditary; Tumor predisposition; Hereditary neoplastic syndrome; Hereditary Cancer Syndrome. Identifiers: Orphanet 140162, MedGen C0027672, MeSH D009386, MONDO:0015356.
Neuroblastoma, susceptibility to, 3. Also called: ALK-Related Neuroblastic Tumor Susceptibility. Identifiers: Orphanet 635, MedGen C2751681, MONDO:0013083, OMIM 613014.

gnomAD v4.1: 4 of 1,569,336 alleles (0.00025%); highest among the groups gnomAD compares: Non-Finnish European, 0.00026%; no homozygotes.

Submissions (4):

Labcorp Genetics (formerly Invitae), Labcorp
Classification: Likely benign for Neuroblastoma, susceptibility to, 3. Last evaluated: 2025-06-15. Review status: criteria provided, single submitter. Criteria: Invitae Variant Classification Sherloc (09022015). Collection method: clinical testing. Allele origin: germline.

Blueprint Genetics
Classification: Likely benign. Last evaluated: 2024-05-30. Review status: criteria provided, single submitter. Criteria: ACMG Guidelines, 2015. Collection method: clinical testing. Allele origin: germline.

CeGaT Center for Human Genetics Tuebingen
Classification: Likely benign. Last evaluated: 2024-04-01. Review status: criteria provided, single submitter. Criteria: CeGaT Center For Human Genetics Tuebingen Variant Classification Criteria Version 2. Collection method: clinical testing. Allele origin: germline. Affected: yes. Observed: 2 variant alleles.
Comment: ALK: PM2:Supporting, BP4, BP7

Ambry Genetics
Classification: Likely benign for Hereditary cancer-predisposing syndrome. Last evaluated: 2022-08-19. Review status: criteria provided, single submitter. Criteria: Ambry Variant Classification Scheme 2023. Collection method: clinical testing. Allele origin: germline.